The following is an entry in ClinVar:

ClinVar aggregate classification (germline): Conflicting classifications of pathogenicity. Review status: criteria provided, conflicting classifications (1 of 4 stars). 6 submissions from 6 submitters: Uncertain significance (4); Likely benign (1). 1 of the submissions does not count toward it. Last evaluated 2025-09-19.

Conditions:
NBEAL2-related disorder. Also called: NBEAL2-related condition.
Inborn genetic diseases. Identifiers: MedGen C0950123, MeSH D030342.

Allele frequency attached by ClinVar (database versions not stated): gnomAD exomes 0.00016 and 0.00036; ExAC 0.00048; 1000 Genomes Project 30x 0.00094; 1000 Genomes Project 0.00120; gnomAD 0.00137 and 0.00151; ESP Exome Variant Server 0.00150; TOPMed 0.00156.
gnomAD v4.1: 444 of 1,612,128 alleles (0.028%); highest among the groups gnomAD compares: African/African-American, 0.53%; 2 homozygotes.

Submissions (6):

Labcorp Genetics (formerly Invitae), Labcorp
Classification: Likely benign. Last evaluated: 2025-09-19. Review status: criteria provided, single submitter. Criteria: Invitae Variant Classification Sherloc (09022015). Collection method: clinical testing. Allele origin: germline.

Ambry Genetics
Classification: Uncertain significance for Inborn genetic diseases. Last evaluated: 2024-10-21. Review status: criteria provided, single submitter. Criteria: Ambry Variant Classification Scheme 2023. Collection method: clinical testing. Allele origin: germline.

Blueprint Genetics
Classification: Uncertain significance. Last evaluated: 2024-09-19. Review status: criteria provided, single submitter. Criteria: ACMG Guidelines, 2015. Collection method: clinical testing. Allele origin: germline.

GeneDx
Classification: Uncertain significance. Last evaluated: 2024-01-25. Review status: criteria provided, single submitter. Criteria: GeneDx Variant Classification Process June 2021. Collection method: clinical testing. Allele origin: germline. Affected: yes.
Comment: In silico analysis supports that this missense variant does not alter protein structure/function; Has not been previously published as pathogenic or benign to our knowledge

Genetic Services Laboratory, University of Chicago
Classification: Uncertain significance. Last evaluated: 2019-05-14. Review status: criteria provided, single submitter. Criteria: ACMG Guidelines, 2015. Collection method: clinical testing. Allele origin: germline. Affected: no.

PreventionGenetics, part of Exact Sciences
Classification: Likely benign for NBEAL2-related condition. Last evaluated: 2022-07-20. Review status: no assertion criteria provided. Collection method: clinical testing. Allele origin: germline. Not counted in ClinVar's aggregate classification.
Comment: This variant is classified as likely benign based on ACMG/AMP sequence variant interpretation guidelines (Richards et al. 2015 PMID: 25741868, with internal and published modifications).

NM_015175.3(NBEAL2):c.1634C>T (p.Ser545Leu)

Gene: NBEAL2 (neurobeachin like 2; plus strand). Cytogenetic location: 3p21.31.
Variant type: single nucleotide variant.
Coding change: c.1634C>T on transcript NM_015175.3 (MANE Select); coding-DNA position 1634, C replaced by T.
Protein change: p.Ser545Leu; replaces serine 545 with leucine.
Molecular consequence: missense variant.
Genome position (GRCh38, 1-based): chr3:46,995,369, C>T. VCF-style: chr3-46995369-C-T. GRCh37 (hg19) VCF-style: chr3-47036859-C-T.
Other names: c.1634C>T (NM_015175.1); c.1532C>T, p.Ser511Leu (NM_001365116.2); short protein forms S545L, S511L.
Identifiers: ClinVar variation 733637 (VCV000733637.17), dbSNP rs201749187, ClinGen allele CA2360422.
Genomic context (GRCh38, chr3:46,995,369, plus strand): 5'-GTGTATCAATAAGGCCCATGGAGCTGCGTCACCTGCTGCGCCCCCGGCCAGGATTGGACT[C>T]GGAACCAGGCGGAGCTGAGGCTGGAAAGGCCCGACACGCAGGTGCTGTCATCCGCACATT-3'
Protein context (NP_055990.1, residues 535-555): HLLRPRPGLD[Ser545Leu]EPGGAEAGKA